The following is an entry in ClinVar:

NM_024747.6(HPS6):c.406G>A (p.Gly136Ser)

Gene: HPS6 (HPS6 biogenesis of lysosomal organelles complex 2 subunit 3; plus strand). Cytogenetic location: 10q24.32.
Variant type: single nucleotide variant.
Coding change: c.406G>A on transcript NM_024747.6 (MANE Select); coding-DNA position 406, G replaced by A.
Protein change: p.Gly136Ser; replaces glycine 136 with serine.
Molecular consequence: missense variant.
Genome position (GRCh38, 1-based): chr10:102,065,880, G>A. VCF-style: chr10-102065880-G-A. GRCh37 (hg19) VCF-style: chr10-103825637-G-A.
Other names: short protein forms G136S.
Identifiers: ClinVar variation 1945076 (VCV001945076.2), dbSNP rs2540986606, ClinGen allele CA377856945.

ClinVar aggregate classification (germline): Uncertain significance (1 of 4 stars; one submission).

Allele frequency attached by ClinVar (database versions not stated): gnomAD exomes 0.00001.
gnomAD v4.1: 10 of 1,533,152 alleles (0.00065%); highest among the groups gnomAD compares: Non-Finnish European, 0.00087%; no homozygotes.

Submission:

Labcorp Genetics (formerly Invitae), Labcorp
Classification: Uncertain significance. Last evaluated: 2022-06-30. Review status: criteria provided, single submitter. Criteria: Invitae Variant Classification Sherloc (09022015). Collection method: clinical testing. Allele origin: germline.
Comment: This sequence change replaces glycine, which is neutral and non-polar, with serine, which is neutral and polar, at codon 136 of the HPS6 protein (p.Gly136Ser). This variant is not present in population databases (gnomAD no frequency). This variant has not been reported in the literature in individuals affected with HPS6-related conditions. Algorithms developed to predict the effect of missense changes on protein structure and function are either unavailable or do not agree on the potential impact of this missense change (SIFT: "Tolerated"; PolyPhen-2: "Possibly Damaging"; Align-GVGD: "Class C0"). In summary, the available evidence is currently insufficient to determine the role of this variant in disease. Therefore, it has been classified as a Variant of Uncertain Significance.